The following is an entry in ClinVar:

ClinVar aggregate classification (germline): Uncertain significance (1 of 4 stars; one submission).

Conditions:
Muscular dystrophy-dystroglycanopathy (congenital with brain and eye anomalies), type A2. Also called: MUSCULAR DYSTROPHY-DYSTROGLYCANOPATHY (CONGENITAL WITH BRAIN AND EYE ANOMALIES), TYPE A, 2; WALKER-WARBURG SYNDROME OR MUSCLE-EYE-BRAIN DISEASE, POMT2-RELATED. Identifiers: Orphanet 588, Orphanet 899, MedGen C3150411, MONDO:0013154, OMIM 613150.
Autosomal recessive limb-girdle muscular dystrophy type 2N. Also called: MUSCULAR DYSTROPHY-DYSTROGLYCANOPATHY, LIMB-GIRDLE, POMT2-RELATED; Muscular dystrophy-dystroglycanopathy (limb-girdle), type C, 2. Identifiers: Orphanet 206559, MedGen C3150418, MONDO:0013162, OMIM 613158.
Muscular dystrophy-dystroglycanopathy (congenital with impaired intellectual development), type B, 2. Also called: MUSCULAR DYSTROPHY, CONGENITAL, POMT2-RELATED; Muscular dystrophy-dystroglycanopathy (congenital with intellectual disability), type B2. Identifiers: MedGen C3150416, MONDO:0013160, OMIM 613156.

gnomAD v4.1: 6 of 1,560,560 alleles (0.00038%); highest among the groups gnomAD compares: African/African-American, 0.0041%; no homozygotes.

Submission:

Labcorp Genetics (formerly Invitae), Labcorp
Classification: Uncertain significance for Muscular dystrophy-dystroglycanopathy (congenital with impaired intellectual development), type B, 2; Muscular dystrophy-dystroglycanopathy (congenital with brain and eye anomalies), type A2; Autosomal recessive limb-girdle muscular dystrophy type 2N. Last evaluated: 2024-10-23. Review status: criteria provided, single submitter. Criteria: Invitae Variant Classification Sherloc (09022015). Collection method: clinical testing. Allele origin: germline.
Comment: This sequence change replaces arginine, which is basic and polar, with tryptophan, which is neutral and slightly polar, at codon 50 of the POMT2 protein (p.Arg50Trp). This variant is present in population databases (no rsID available, gnomAD 0.01%). This variant has not been reported in the literature in individuals affected with POMT2-related conditions. ClinVar contains an entry for this variant (Variation ID: 1396557). Invitae Evidence Modeling of protein sequence and biophysical properties (such as structural, functional, and spatial information, amino acid conservation, physicochemical variation, residue mobility, and thermodynamic stability) indicates that this missense variant is not expected to disrupt POMT2 protein function with a negative predictive value of 95%. In summary, the available evidence is currently insufficient to determine the role of this variant in disease. Therefore, it has been classified as a Variant of Uncertain Significance.

NM_013382.7(POMT2):c.148C>T (p.Arg50Trp)

Gene: POMT2 (protein O-mannosyltransferase 2; minus strand). Cytogenetic location: 14q24.3.
Variant type: single nucleotide variant.
Coding change: c.148C>T on transcript NM_013382.7 (MANE Select); coding-DNA position 148, C replaced by T.
Protein change: p.Arg50Trp; replaces arginine 50 with tryptophan.
Molecular consequence: missense variant.
Genome position (GRCh38, 1-based): chr14:77,320,534, G>A on the plus strand (C>T on the coding strand, the complement: POMT2 is on the minus strand). VCF-style: chr14-77320534-G-A. GRCh37 (hg19) VCF-style: chr14-77786877-G-A.
Other names: short protein forms R50W.
Identifiers: ClinVar variation 1396557 (VCV001396557.9), dbSNP rs550420394, ClinGen allele CA390504589.